The following is an entry in ClinVar:

NM_000170.3(GLDC):c.2181C>T (p.Asp727=)

Gene: GLDC (glycine decarboxylase; minus strand). Cytogenetic location: 9p24.1.
Variant type: single nucleotide variant.
Coding change: c.2181C>T on transcript NM_000170.3 (MANE Select); coding-DNA position 2181, C replaced by T.
Protein change: p.Asp727=; no amino-acid change (aspartic acid 727 retained).
Molecular consequence: synonymous variant.
Genome position (GRCh38, 1-based): chr9:6,556,174, G>A on the plus strand (C>T on the coding strand, the complement: GLDC is on the minus strand). VCF-style: chr9-6556174-G-A. GRCh37 (hg19) VCF-style: chr9-6556174-G-A.
Identifiers: ClinVar variation 1140557 (VCV001140557.24), dbSNP rs192045547, ClinGen allele CA4980363.

ClinVar aggregate classification (germline): Likely benign. Review status: criteria provided, multiple submitters, no conflicts (2 of 4 stars). 3 submissions from 3 submitters: Likely benign (3). Last evaluated 2026-01-05.

Conditions:
Glycine encephalopathy. Also called: Non-ketotic hyperglycinemia; Nonketotic hyperglycinemia. Identifiers: Orphanet 407, MedGen C0751748, MONDO:0011612, HP:0008288.

Allele frequency attached by ClinVar (database versions not stated): ExAC 0.00003; gnomAD exomes 0.00003 and 0.00005; 1000 Genomes Project 0.00020; ESP Exome Variant Server 0.00023; 1000 Genomes Project 30x 0.00031.
gnomAD v4.1: 53 of 1,612,826 alleles (0.0033%); highest among the groups gnomAD compares: African/African-American, 0.039%; no homozygotes.

Submissions (3):

Labcorp Genetics (formerly Invitae), Labcorp
Classification: Likely benign for Glycine encephalopathy. Last evaluated: 2026-01-05. Review status: criteria provided, single submitter. Criteria: Invitae Variant Classification Sherloc (09022015). Collection method: clinical testing. Allele origin: germline.

CeGaT Center for Human Genetics Tuebingen
Classification: Likely benign. Last evaluated: 2024-11-01. Review status: criteria provided, single submitter. Criteria: CeGaT Center For Human Genetics Tuebingen Variant Classification Criteria Version 2. Collection method: clinical testing. Allele origin: germline. Affected: yes. Observed: 1 variant allele.
Comment: GLDC: BP4, BP7

Women's Health and Genetics/Laboratory Corporation of America, LabCorp
Classification: Likely benign. Last evaluated: 2023-10-17. Review status: criteria provided, single submitter. Criteria: LabCorp Variant Classification Summary - May 2015. Collection method: clinical testing. Allele origin: germline.